The following is an entry in ClinVar:

NM_006514.4(SCN10A):c.2641-95C>G

Gene: SCN10A (sodium voltage-gated channel alpha subunit 10; minus strand). Cytogenetic location: 3p22.2.
Variant type: single nucleotide variant.
Coding change: c.2641-95C>G on transcript NM_006514.4 (MANE Select); 95 bases into the intron before coding-DNA position 2641, C replaced by G.
Molecular consequence: intron variant.
Genome position (GRCh38, 1-based): chr3:38,727,147, G>C on the plus strand (C>G on the coding strand, the complement: SCN10A is on the minus strand). VCF-style: chr3-38727147-G-C. GRCh37 (hg19) VCF-style: chr3-38768638-G-C.
Other names: c.2347-95C>G (NM_001293307.2); c.2641-95C>G (NM_001293306.2).
Identifiers: ClinVar variation 674524 (VCV000674524.2), dbSNP rs73825883, ClinGen allele CA11529571.

ClinVar aggregate classification (germline): Benign. Review status: criteria provided, multiple submitters, no conflicts (2 of 4 stars). 2 submissions from 2 submitters: Benign (2). Last evaluated 2018-06-14.

Allele frequency attached by ClinVar (database versions not stated): gnomAD 0.06788; TOPMed 0.08178; 1000 Genomes Project 0.09784; 1000 Genomes Project 30x 0.09947.
gnomAD v4.1: 40,010 of 1,169,884 alleles (3.4%); highest among the groups gnomAD compares: African/African-American, 20%; 2,110 homozygotes.

Submissions (2):

GeneDx
Classification: Benign. Last evaluated: 2018-06-14. Review status: criteria provided, single submitter. Criteria: GeneDx Variant Classification (06012015). Collection method: clinical testing. Allele origin: germline. Affected: yes.
Comment: This variant is considered likely benign or benign based on one or more of the following criteria: it is a conservative change, it occurs at a poorly conserved position in the protein, it is predicted to be benign by multiple in silico algorithms, and/or has population frequency not consistent with disease.

Breakthrough Genomics
Classification: Benign. Review status: criteria provided, single submitter. Criteria: ACMG Guidelines, 2015. Collection method: not provided. Allele origin: germline. Inheritance: Autosomal dominant inheritance. Affected: yes.